The following is an entry in ClinVar:

NM_000264.5(PTCH1):c.3490G>T (p.Val1164Phe)

Gene: PTCH1 (patched 1; minus strand). Cytogenetic location: 9q22.32.
Variant type: single nucleotide variant.
Coding change: c.3490G>T on transcript NM_000264.5 (MANE Select); coding-DNA position 3490, G replaced by T.
Protein change: p.Val1164Phe; replaces valine 1164 with phenylalanine.
Molecular consequence: missense variant. On other transcripts: non-coding transcript variant (1).
Genome position (GRCh38, 1-based): chr9:95,449,900, C>A on the plus strand (G>T on the coding strand, the complement: PTCH1 is on the minus strand). VCF-style: chr9-95449900-C-A. GRCh37 (hg19) VCF-style: chr9-98212182-C-A.
Other names: c.3292G>T, p.Val1098Phe (NM_001083602.3); c.3487G>T, p.Val1163Phe (NM_001083603.3); c.3037G>T, p.Val1013Phe (NM_001083604.3, NM_001083605.3, NM_001083606.3 and 1 more transcripts); c.3334G>T, p.Val1112Phe (NM_001354918.2); short protein forms V1013F, V1164F, V1098F, V1163F, V1112F.
Identifiers: ClinVar variation 5027520 (VCV005027520.1).

ClinVar aggregate classification (germline): Uncertain significance (1 of 4 stars; one submission).

Conditions:
Hereditary cancer-predisposing syndrome. Also called: Neoplastic Syndromes, Hereditary; Tumor predisposition; Hereditary neoplastic syndrome; Hereditary Cancer Syndrome. Identifiers: Orphanet 140162, MedGen C0027672, MeSH D009386, MONDO:0015356.

Submission:

Ambry Genetics
Classification: Uncertain significance for Hereditary cancer-predisposing syndrome. Last evaluated: 2026-07-30. Review status: criteria provided, single submitter. Criteria: Ambry Variant Classification Scheme 2023. Collection method: clinical testing. Allele origin: germline.
Comment: The p.V1164F variant (also known as c.3490G>T), located in coding exon 21 of the PTCH1 gene, results from a G to T substitution at nucleotide position 3490. The valine at codon 1164 is replaced by phenylalanine, an amino acid with highly similar properties. This amino acid position is conserved. In addition, this alteration is predicted to be deleterious by in silico analysis. Based on the available evidence, the clinical significance of this variant remains unclear.